The following is an entry in ClinVar:

ClinVar aggregate classification (germline): Uncertain significance (1 of 4 stars; one submission).

Conditions:
Sandhoff disease. Also called: HEXOSAMINIDASES A AND B DEFICIENCY; GM2-GANGLIOSIDOSIS, TYPE II; Beta-hexosaminidase-beta-subunit deficiency; GM2 gangliosidosis, type 2; Total hexosaminidase deficiency; Sandhoff-Jatzkewitz-Pilz disease. Identifiers: Orphanet 796, MedGen C0036161, MONDO:0010006, OMIM 268800.

Submission:

Myriad Genetics, Inc.
Classification: Uncertain significance for Sandhoff disease. Last evaluated: 2026-02-27. Review status: criteria provided, single submitter. Criteria: Myriad Autosomal Dominant, Autosomal Recessive and X-Linked Classification Criteria (2023). Collection method: clinical testing. Allele origin: unknown.
Comment: NM_000521.3(HEXB):c.1669_*6del9(*557Eext*23) is a stop-loss variant classified as a variant of uncertain significance in the context of Sandhoff disease. *557Eext*23 has not been observed in cases with relevant disease. Relevant functional assessments of this variant are not available in the literature. *557Eext*23 has not been observed in referenced population frequency databases. In summary, there is insufficient evidence to classify NM_000521.3(HEXB):c.1669_*6del9(*557Eext*23) as pathogenic or benign. Please note: this variant was assessed in the context of healthy population screening.

NM_000521.4(HEXB):c.1669_*6del (p.Ter557del)

Gene: HEXB (hexosaminidase subunit beta; plus strand). Cytogenetic location: 5q13.3.
Variant type: Deletion.
Coding change: c.1669_*6del on transcript NM_000521.4 (MANE Select); coding-DNA position 1669 through 6 bases downstream of the stop codon, 9 bases deleted (TAAAAAATG; older notation c.1669_*6delTAAAAAATG).
Protein change: p.Ter557del.
Molecular consequence: stop lost, inframe deletion.
Genome position (GRCh38, 1-based): chr5:74,721,173-74,721,181, TAAAAAATG deleted; deleting any 9 consecutive bases within chr5:74,721,170-74,721,181 gives the same sequence; the c. name uses the placement nearest the transcript's 3' end. VCF-style (leftmost placement, unchanged base first): chr5-74721169-CATGTAAAAA-C. GRCh37 (hg19) VCF-style: chr5-74016994-CATGTAAAAA-C.
Other names: c.994_*6del, p.Ter332del (NM_001292004.2); short protein forms :332del, :557del.
Identifiers: ClinVar variation 5004501 (VCV005004501.1).